The following is an entry in ClinVar:

ClinVar aggregate classification (germline): Uncertain significance (1 of 4 stars; one submission).

Conditions:
Dilated cardiomyopathy 1G (CMD1G). Identifiers: Orphanet 154, MedGen C1858763, MONDO:0011400, OMIM 604145.
Autosomal recessive limb-girdle muscular dystrophy type 2J (LGMDR10). Also called: Limb-girdle muscular dystrophy, type 2J; MUSCULAR DYSTROPHY, LIMB-GIRDLE, AUTOSOMAL RECESSIVE 10. Identifiers: Orphanet 140922, MedGen C1837342, MONDO:0012127, OMIM 608807.

Submission:

Labcorp Genetics (formerly Invitae), Labcorp
Classification: Uncertain significance for Dilated cardiomyopathy 1G; Autosomal recessive limb-girdle muscular dystrophy type 2J. Last evaluated: 2019-10-16. Review status: criteria provided, single submitter. Criteria: Invitae Variant Classification Sherloc (09022015). Collection method: clinical testing. Allele origin: germline.
Comment: In summary, the available evidence is currently insufficient to determine the role of this variant in disease. Therefore, it has been classified as a Variant of Uncertain Significance. This variant is located in the M band of TTN (PMID: 25589632). Variants in this region may be relevant for neuromuscular disorders, but have not been definitively shown to cause cardiomyopathy (PMID: 23975875). Experimental studies and prediction algorithms are not available or were not evaluated, and the functional significance of this variant is currently unknown. This variant has not been reported in the literature in individuals with TTN-related conditions. This variant is not present in population databases (ExAC no frequency). This variant, c.101256_101258del, results in the deletion of 1 amino acid(s) of the TTN protein (p.Leu33752del), but otherwise preserves the integrity of the reading frame.

Literature cited by the submitters: PubMed 25589632; PubMed 23975875.

NM_001267550.2(TTN):c.101256_101258del (p.Leu33752del)

Genes: TTN-AS1 (TTN antisense RNA 1; plus strand), TTN (titin; minus strand). Cytogenetic location: 2q31.2.
Variant type: Deletion.
Coding change: c.101256_101258del on transcript NM_001267550.2 (MANE Select); coding-DNA positions 101256 to 101258, 3 bases deleted (ATT; older notation c.101256_101258delATT).
Protein change: p.Leu33752del; deletes leucine 33752.
Molecular consequence: inframe deletion.
Genome position (GRCh38, 1-based): chr2:178,535,357-178,535,359, AAT deleted on the plus strand (ATT on the coding strand, the reverse complement: TTN is on the minus strand); deleting any 3 consecutive bases within chr2:178,535,357-178,535,361 gives the same sequence; the c. name uses the placement nearest the transcript's 3' end. VCF-style (leftmost placement, unchanged base first): chr2-178535356-AAAT-A. GRCh37 (hg19) VCF-style: chr2-179400083-AAAT-A.
Other names: c.96333_96335del, p.Leu32111del (NM_001256850.1); c.74061_74063del, p.Leu24687del (NM_003319.4); c.93552_93554del, p.Leu31184del (NM_133378.4); c.74436_74438del, p.Leu24812del (NM_133432.3); c.74637_74639del, p.Leu24879del (NM_133437.4); short protein forms L24687del, L24812del, L24879del, L32111del, L33752del, L31184del.
Identifiers: ClinVar variation 972072 (VCV000972072.10), dbSNP rs1690948347, ClinGen allele CA430237792.
Genomic context (GRCh38, chr2:178,535,356, plus strand): 5'-AGGCTTGCTCAGACCAAATTTATTTTCAGCTATTACCCGGAACTGGTAACTTGTTTTTCC[AAAT>A]AAGTTGATCACGGTATAACGTGTTTCTCGGGCCTGTCCTACACGGAGCCATCTTTCTGCA-3'